The following is an entry in ClinVar:

NM_032119.4(ADGRV1):c.8347G>T (p.Glu2783Ter)

Gene: ADGRV1 (adhesion G protein-coupled receptor V1; plus strand). Cytogenetic location: 5q14.3.
Variant type: single nucleotide variant.
Coding change: c.8347G>T on transcript NM_032119.4 (MANE Select); coding-DNA position 8347, G replaced by T.
Protein change: p.Glu2783Ter; replaces glutamic acid 2783 with a stop codon.
Molecular consequence: nonsense. On other transcripts: non-coding transcript variant (1).
Genome position (GRCh38, 1-based): chr5:90,704,449, G>T. VCF-style: chr5-90704449-G-T. GRCh37 (hg19) VCF-style: chr5-90000266-G-T.
Other names: short protein forms E2783*.
Identifiers: ClinVar variation 1712024 (VCV001712024.6), dbSNP rs2149687811, ClinGen allele CA360389926.

ClinVar aggregate classification (germline): Pathogenic/Likely pathogenic. Review status: criteria provided, multiple submitters, no conflicts (2 of 4 stars). 2 submissions from 2 submitters: Pathogenic (1); Likely pathogenic (1). Last evaluated 2025-11-09.

Submissions (2):

GeneDx
Classification: Likely pathogenic. Last evaluated: 2025-11-09. Review status: criteria provided, single submitter. Criteria: GeneDx Variant Classification Process June 2021. Collection method: clinical testing. Allele origin: germline. Affected: yes.
Comment: Nonsense variant predicted to result in protein truncation or nonsense mediated decay in a gene for which loss of function is a known mechanism of disease; Not observed at significant frequency in large population cohorts (gnomAD); Has not been previously published as pathogenic or benign to our knowledge

Labcorp Genetics (formerly Invitae), Labcorp
Classification: Pathogenic. Last evaluated: 2023-03-26. Review status: criteria provided, single submitter. Criteria: Invitae Variant Classification Sherloc (09022015). Collection method: clinical testing. Allele origin: germline.
Comment: For these reasons, this variant has been classified as Pathogenic. ClinVar contains an entry for this variant (Variation ID: 1712024). This variant has not been reported in the literature in individuals affected with ADGRV1-related conditions. This variant is not present in population databases (gnomAD no frequency). This sequence change creates a premature translational stop signal (p.Glu2783*) in the ADGRV1 gene. It is expected to result in an absent or disrupted protein product. Loss-of-function variants in ADGRV1 are known to be pathogenic (PMID: 19357117, 22135276, 22147658, 26226137, 30718709, 31047384, 32467589).

Literature cited by the submitters: PubMed 19357117 (cited by Labcorp Genetics (formerly Invitae), Labcorp); PubMed 22135276 (cited by Labcorp Genetics (formerly Invitae), Labcorp); PubMed 22147658 (cited by Labcorp Genetics (formerly Invitae), Labcorp); PubMed 26226137 (cited by Labcorp Genetics (formerly Invitae), Labcorp); PubMed 30718709 (cited by Labcorp Genetics (formerly Invitae), Labcorp); PubMed 31047384 (cited by Labcorp Genetics (formerly Invitae), Labcorp); PubMed 32467589 (cited by Labcorp Genetics (formerly Invitae), Labcorp).